The following is an entry in ClinVar:

ClinVar aggregate classification (germline): Likely benign. Review status: criteria provided, single submitter (1 of 4 stars). 2 submissions from 2 submitters: Likely benign (1). 1 of the submissions does not count toward it.

Conditions:
USP44-related disorder. Also called: USP44-related condition.

Allele frequency attached by ClinVar (database versions not stated): gnomAD 0.00003; TOPMed 0.00003; ExAC 0.00004; gnomAD exomes 0.00004.

Submissions (2):

Breakthrough Genomics
Classification: Likely benign. Review status: criteria provided, single submitter. Criteria: ACMG Guidelines, 2015. Collection method: not provided. Allele origin: germline. Inheritance: Unknown mechanism. Affected: yes.

PreventionGenetics, part of Exact Sciences
Classification: Likely benign for USP44-related condition. Last evaluated: 2020-01-08. Review status: no assertion criteria provided. Collection method: clinical testing. Allele origin: germline. Not counted in ClinVar's aggregate classification.
Comment: This variant is classified as likely benign based on ACMG/AMP sequence variant interpretation guidelines (Richards et al. 2015 PMID: 25741868, with internal and published modifications).

NM_032147.5(USP44):c.492A>G (p.Thr164=)

Gene: USP44 (ubiquitin specific peptidase 44; minus strand). Cytogenetic location: 12q22.
Variant type: single nucleotide variant.
Coding change: c.492A>G on transcript NM_032147.5 (MANE Select); coding-DNA position 492, A replaced by G.
Protein change: p.Thr164=; no amino-acid change (threonine 164 retained).
Molecular consequence: synonymous variant. On other transcripts: non-coding transcript variant (6).
Genome position (GRCh38, 1-based): chr12:95,533,765, T>C on the plus strand (A>G on the coding strand, the complement: USP44 is on the minus strand). VCF-style: chr12-95533765-T-C. GRCh37 (hg19) VCF-style: chr12-95927541-T-C.
Other names: c.492A>G, p.Thr164= (NM_001042403.3, NM_001278393.2, NM_001347936.2 and 1 more transcripts).
Identifiers: ClinVar variation 3052269 (VCV003052269.3), dbSNP rs761232870, ClinGen allele CA6725643.
Genomic context (GRCh38, chr12:95,533,765, plus strand): 5'-TATTTTTTCCTGAAATGGTTCTTCTTGCTTTTTTCTTCCAATGGGTGATTGTTCAAACCA[T>C]GTTCGAAAGATTTTACCCATTAGTATCCTTCTCCTGTGCCAAAGAGCAGTATACAGTTGA-3'
Protein context (NP_115523.2, residues 154-174): RRILMGKIFR[Thr164=]WFEQSPIGRK